The following is an entry in ClinVar:

ClinVar aggregate classification (germline): Uncertain significance (1 of 4 stars; one submission).

gnomAD v4.1: 2 of 1,610,458 alleles (0.00012%); highest among the groups gnomAD compares: South Asian, 0.0011%; no homozygotes.

Submission:

Labcorp Genetics (formerly Invitae), Labcorp
Classification: Uncertain significance. Last evaluated: 2025-09-08. Review status: criteria provided, single submitter. Criteria: Invitae Variant Classification Sherloc (09022015). Collection method: clinical testing. Allele origin: germline.
Comment: This sequence change falls in intron 24 of the TNNI3K gene. It does not directly change the encoded amino acid sequence of the TNNI3K protein. It affects a nucleotide within the consensus splice site. This variant is present in population databases (rs554486388, gnomAD 0.003%). This variant has not been reported in the literature in individuals affected with TNNI3K-related conditions. Variants that disrupt the consensus splice site are a relatively common cause of aberrant splicing (PMID: 17576681, 9536098). Algorithms developed to predict the effect of sequence changes on RNA splicing suggest that this variant may disrupt the consensus splice site. In summary, the available evidence is currently insufficient to determine the role of this variant in disease. Therefore, it has been classified as a Variant of Uncertain Significance.

Literature cited by the submitters: PubMed 17576681; PubMed 9536098.

NM_015978.3(TNNI3K):c.2431+5G>A

Genes: FPGT-TNNI3K (FPGT-TNNI3K readthrough; plus strand), TNNI3K (TNNI3 interacting kinase; plus strand). Cytogenetic location: 1p31.1.
Variant type: single nucleotide variant.
Coding change: c.2431+5G>A on transcript NM_015978.3 (MANE Select); 5 bases into the intron after coding-DNA position 2431, G replaced by A.
Molecular consequence: intron variant.
Genome position (GRCh38, 1-based): chr1:74,540,318, G>A. VCF-style: chr1-74540318-G-A. GRCh37 (hg19) VCF-style: chr1-75006002-G-A.
Other names: c.2734+5G>A (NM_001112808.3).
Identifiers: ClinVar variation 4805399 (VCV004805399.1).